The following is an entry in ClinVar:

ClinVar aggregate classification (germline): Benign/Likely benign. Review status: criteria provided, multiple submitters, no conflicts (2 of 4 stars). 7 submissions from 7 submitters: Benign (2); Likely benign (5). Last evaluated 2026-02-04.

Conditions:
Neutropenia, severe congenital, 1, autosomal dominant. Identifiers: MedGen C1859966, MONDO:0042490, OMIM 202700.
Cyclical neutropenia. Also called: Cyclic Neutropenia; Cyclic hematopoiesis. Identifiers: Orphanet 2686, MedGen C0221023, MONDO:0008090, OMIM 162800, HP:0040289. Disease mechanism: loss of function.
Autoinflammatory syndrome. Identifiers: Orphanet 93665, MedGen C3890737, MONDO:0019751.
Inborn genetic diseases. Identifiers: MedGen C0950123, MeSH D030342.

Allele frequency attached by ClinVar (database versions not stated): ESP Exome Variant Server 0.00015; TOPMed 0.00028; gnomAD 0.00037 and 0.00047; ExAC 0.00092; 1000 Genomes Project 30x 0.00109; 1000 Genomes Project 0.00120.
gnomAD v4.1: 875 of 1,613,562 alleles (0.054%); highest among the groups gnomAD compares: East Asian, 1.3%; 4 homozygotes.

Submissions (7):

Labcorp Genetics (formerly Invitae), Labcorp
Classification: Benign for Neutropenia, severe congenital, 1, autosomal dominant; Cyclical neutropenia. Last evaluated: 2026-02-04. Review status: criteria provided, single submitter. Criteria: Invitae Variant Classification Sherloc (09022015). Collection method: clinical testing. Allele origin: germline.

CeGaT Center for Human Genetics Tuebingen
Classification: Likely benign. Last evaluated: 2025-11-01. Review status: criteria provided, single submitter. Criteria: CeGaT Center For Human Genetics Tuebingen Variant Classification Criteria Version 2. Collection method: clinical testing. Allele origin: germline. Affected: yes. Observed: 3 variant alleles.
Comment: ELANE: BP4, BP7, BS1

Blueprint Genetics
Classification: Likely benign. Last evaluated: 2024-11-28. Review status: criteria provided, single submitter. Criteria: ACMG Guidelines, 2015. Collection method: clinical testing. Allele origin: germline.

Ambry Genetics
Classification: Likely benign for Inborn genetic diseases. Last evaluated: 2024-11-22. Review status: criteria provided, single submitter. Criteria: Ambry Variant Classification Scheme 2023. Collection method: clinical testing. Allele origin: germline.

Genome Diagnostics Laboratory, The Hospital for Sick Children
Classification: Likely benign for Autoinflammatory syndrome. Last evaluated: 2021-08-13. Review status: criteria provided, single submitter. Criteria: ACMG Guidelines, 2015. Collection method: clinical testing. Allele origin: germline. Affected: yes.

GeneDx
Classification: Benign. Last evaluated: 2015-03-03. Review status: criteria provided, single submitter. Criteria: GeneDx Variant Classification Process June 2021. Collection method: clinical testing. Allele origin: germline. Affected: yes.

PreventionGenetics, part of Exact Sciences
Classification: Likely benign. Review status: criteria provided, single submitter. Criteria: ACMG Guidelines, 2015. Collection method: clinical testing. Allele origin: germline.

NM_001972.4(ELANE):c.654C>T (p.Phe218=)

Gene: ELANE (elastase, neutrophil expressed; plus strand). Cytogenetic location: 19p13.3.
Variant type: single nucleotide variant.
Coding change: c.654C>T on transcript NM_001972.4 (MANE Select); coding-DNA position 654, C replaced by T.
Protein change: p.Phe218=; no amino-acid change (phenylalanine 218 retained).
Molecular consequence: synonymous variant.
Genome position (GRCh38, 1-based): chr19:856,014, C>T. VCF-style: chr19-856014-C-T. GRCh37 (hg19) VCF-style: chr19-856014-C-T.
Other names: c.654C>T (LRG_57t1).
Identifiers: ClinVar variation 258499 (VCV000258499.43), dbSNP rs148492780, ClinGen allele CA9026131.